The following is an entry in ClinVar:

ClinVar aggregate classification (germline): Conflicting classifications of pathogenicity. Review status: criteria provided, conflicting classifications (1 of 4 stars). 8 submissions from 8 submitters: Pathogenic (1); Likely pathogenic (4); Uncertain significance (3). Last evaluated 2026-03-27.

Conditions:
Medium-chain acyl-coenzyme A dehydrogenase deficiency (ACADMD). Also called: MCADD; Medium chain acyl-CoA dehydrogenase deficiency; ACADM DEFICIENCY; CARNITINE DEFICIENCY SECONDARY TO MEDIUM-CHAIN ACYL-CoA DEHYDROGENASE DEFICIENCY; MCADH DEFICIENCY; MCAD Deficiency. Identifiers: Orphanet 42, MedGen C0220710, MONDO:0008721, OMIM 201450.

Allele frequency attached by ClinVar (database versions not stated): gnomAD exomes below 0.00001; TOPMed 0.00002.
gnomAD v4.1: 3 of 1,614,120 alleles (0.00019%); highest among the groups gnomAD compares: Non-Finnish European, 0.00025%; no homozygotes.

Submissions (8):

Myriad Genetics, Inc.
Classification: Uncertain significance for Medium-chain acyl-coenzyme A dehydrogenase deficiency. Last evaluated: 2026-03-27. Review status: criteria provided, single submitter. Criteria: Myriad Autosomal Dominant, Autosomal Recessive and X-Linked Classification Criteria (2023). Collection method: clinical testing. Allele origin: unknown.
Comment: NM_000016.4(ACADM):c.346T>G(C116G) is a missense variant classified as a variant of uncertain significance in the context of medium-chain acyl-CoA dehydrogenase deficiency. C116G has been observed in cases with relevant disease (PMID: 35629059, 34578803). Relevant functional assessments of this variant are available in the literature (PMID: 34923709, Abdel Ghany_1999_(Article)). C116G has not been observed in referenced population frequency databases. In summary, there is insufficient evidence to classify NM_000016.4(ACADM):c.346T>G(C116G) as pathogenic or benign. Please note: this variant was assessed in the context of healthy population screening.

Variantyx, Inc.
Classification: Likely pathogenic for Medium-chain acyl-coenzyme A dehydrogenase deficiency. Last evaluated: 2025-10-14. Review status: criteria provided, single submitter. Criteria: Variantyx Assertion Criteria 2022. Collection method: clinical testing. Allele origin: germline. Inheritance: Autosomal recessive inheritance. Affected: no.
Comment: This is a nonsynonymous variant in the ACADM gene (OMIM: 607008). Pathogenic variants in this gene have been associated with autosomal recessive medium chain acyl-CoA dehydrogenase (MCAD) deficiency. This variant has been identified in the homozygous or compound heterozygous state in at least one individual reported in the published literature (PMID: 20434380) (PM3). Alternate amino acid change at this position (p.Cys116Tyr) has been previously reported in affected individuals, which suggests that this residue is biologically important (PMID:37368378) (PM5). Multiple computational algorithms predict a deleterious effect for this variant (REVEL score: 0.921) (PP3). This variant has a 0.0003% maximum allele frequency in non-founder control populations (PM2). Based on the current evidence, this variant is classified as likely pathogenic for autosomal recessive medium chain acyl-CoA dehydrogenase (MCAD) deficiency.

Labcorp Genetics (formerly Invitae), Labcorp
Classification: Likely pathogenic for Medium-chain acyl-coenzyme A dehydrogenase deficiency. Last evaluated: 2025-09-29. Review status: criteria provided, single submitter. Criteria: Invitae Variant Classification Sherloc (09022015). Collection method: clinical testing. Allele origin: germline.
Comment: This sequence change replaces cysteine, which is neutral and slightly polar, with glycine, which is neutral and non-polar, at codon 116 of the ACADM protein (p.Cys116Gly). This variant is not present in population databases (gnomAD no frequency). This missense change has been observed in individual(s) with medium-chain acyl-coenzyme A dehydrogenase deficiency (PMID: 20434380). ClinVar contains an entry for this variant (Variation ID: 226076). Invitae Evidence Modeling of protein sequence and biophysical properties (such as structural, functional, and spatial information, amino acid conservation, physicochemical variation, residue mobility, and thermodynamic stability) indicates that this missense variant is expected to disrupt ACADM protein function with a positive predictive value of 80%. Studies have shown that this missense change is associated with inconclusive levels of altered splicing (PMID: 34923709). This variant disrupts the p.Cys116 amino acid residue in ACADM. Other variant(s) that disrupt this residue have been determined to be pathogenic (PMID: 9158144, 19649258, 20567907, 29285339). This suggests that this residue is clinically significant, and that variants that disrupt this residue are likely to be disease-causing. In summary, the currently available evidence indicates that the variant is pathogenic, but additional data are needed to prove that conclusively. Therefore, this variant has been classified as Likely Pathogenic.

Natera, Inc.
Classification: Pathogenic for Medium Chain Acyl-CoA Dehydrogenase Deficiency. Last evaluated: 2025-09-04. Review status: criteria provided, single submitter. Criteria: Natera Variant Classification Schema (03/2026). Collection method: clinical testing. Allele origin: germline.
Comment: The c.346T>G variant in ACADM is a missense variant predicted to cause substitution of cysteine to glycine at amino acid 116. This variant is rare in the general population with a frequency below the threshold expected for the associated phenotype(s). This variant has been observed in one or more individuals affected with the associated recessive disease, as either homozygous or compound heterozygous with a second variant (PMID: 20434380, 35629059, 34578803). Functional studies show that this variant may disrupt protein function (PMID: 34923709). A different variant at the same position has been determined to be Pathogenic or Likely Pathogenic. Computational prediction algorithms indicate this variant is likely to affect gene or protein function. Given the available evidence, this variant is classified as Pathogenic.

Baylor Genetics
Classification: Likely pathogenic for Medium-chain acyl-coenzyme A dehydrogenase deficiency. Last evaluated: 2024-02-07. Review status: criteria provided, single submitter. Criteria: ACMG Guidelines, 2015. Collection method: clinical testing. Allele origin: unknown.

Revvity Omics, Revvity
Classification: Likely pathogenic for Medium-chain acyl-coenzyme A dehydrogenase deficiency. Last evaluated: 2022-05-30. Review status: criteria provided, single submitter. Criteria: ACMG Guidelines, 2015. Collection method: clinical testing. Allele origin: germline.

Quest Diagnostics Nichols Institute San Juan Capistrano
Classification: Uncertain significance. Last evaluated: 2018-01-18. Review status: criteria provided, single submitter. Criteria: Quest Diagnostics criteria. Collection method: clinical testing. Allele origin: germline.

ARUP Laboratories, Molecular Genetics and Genomics, ARUP Laboratories
Classification: Uncertain significance for Medium-chain acyl-coenzyme A dehydrogenase deficiency. Last evaluated: 2015-02-20. Review status: criteria provided, single submitter. Criteria: ACMG Guidelines, 2015. Collection method: clinical testing. Allele origin: germline. Inheritance: Autosomal recessive inheritance. Observed: 1 heterozygote.

Literature cited by the submitters: PubMed 34578803 (cited by Myriad Genetics, Inc. and Natera, Inc.); PubMed 35629059 (cited by Myriad Genetics, Inc. and Natera, Inc.); PubMed 20434380 (cited by 3 submitters); PubMed 37368378 (cited by Variantyx, Inc.); PubMed 34923709 (cited by Labcorp Genetics (formerly Invitae), Labcorp and Natera, Inc.); PubMed 9158144 (cited by Labcorp Genetics (formerly Invitae), Labcorp); PubMed 19649258 (cited by Labcorp Genetics (formerly Invitae), Labcorp); PubMed 20567907 (cited by Labcorp Genetics (formerly Invitae), Labcorp); PubMed 29285339 (cited by Labcorp Genetics (formerly Invitae), Labcorp).

NM_000016.6(ACADM):c.346T>G (p.Cys116Gly)

Gene: ACADM (acyl-CoA dehydrogenase medium chain; plus strand). Cytogenetic location: 1p31.1.
Variant type: single nucleotide variant.
Coding change: c.346T>G on transcript NM_000016.6 (MANE Select); coding-DNA position 346, T replaced by G.
Protein change: p.Cys116Gly; replaces cysteine 116 with glycine.
Molecular consequence: missense variant. On other transcripts: intron variant (1).
Genome position (GRCh38, 1-based): chr1:75,733,587, T>G. VCF-style: chr1-75733587-T-G. GRCh37 (hg19) VCF-style: chr1-76199272-T-G.
Other names: c.358T>G, p.Cys120Gly (NM_001127328.3); c.238T>G, p.Cys80Gly (NM_001286042.2); c.445T>G, p.Cys149Gly (NM_001286043.2); c.-100+665T>G (NM_001286044.2); short protein forms C116G, C120G, C149G, C80G.
Identifiers: ClinVar variation 226076 (VCV000226076.22), dbSNP rs875989863, ClinGen allele CA10576225.